The following is an entry in ClinVar:

ClinVar aggregate classification (germline): Uncertain significance (1 of 4 stars; one submission).

Conditions:
Episodic kinesigenic dyskinesia 1 (EKD1). Also called: Dystonia 10; DYSTONIA, FAMILIAL PAROXYSMAL; PAROXYSMAL KINESIGENIC CHOREOATHETOSIS; PRRT2-Related Paroxysmal Kinesigenic Dyskinesia (PKD); PxMD-PRRT2. Identifiers: Orphanet 98809, MedGen C4552000, MONDO:0100352, OMIM 128200, MONDO:0007494.

Allele frequency attached by ClinVar (database versions not stated): gnomAD exomes below 0.00001.

Submission:

Victorian Clinical Genetics Services, Murdoch Childrens Research Institute
Classification: Uncertain significance for Episodic kinesigenic dyskinesia 1. Last evaluated: 2021-05-06. Review status: criteria provided, single submitter. Criteria: ACMG Guidelines, 2015. Collection method: clinical testing. Allele origin: germline. Inheritance: Autosomal dominant inheritance. Affected: yes.
Comment: Based on the classification scheme VCGS_Germline_v1.3.4, this variant is classified as VUS-3B. Following criteria are met: 0102 - Loss of function is a known mechanism of disease in this gene and is associated with PRRT2-related disorders (MIM#s 602066, 128200 & 605751). (I) 0107 - This gene is associated with autosomal dominant disease. (I) 0200 - Variant is predicted to result in a missense amino acid change from glutamic acid to lysine. (I) 0251 - This variant is heterozygous. (I) 0301 - Variant is absent from gnomAD (both v2 and v3). (SP) 0309 - An alternative amino acid change at the same position has been observed in gnomAD (v2) (1 heterozygote, 0 homozygotes). (I) 0502 - Missense variant with conflicting in silico predictions and uninformative conservation. (I) 0604 - Variant is not located in an established domain, motif, hotspot or informative constraint region. (I) 0705 - No comparable missense variants have previous evidence for pathogenicity. (I) 0807 - This variant has no previous evidence of pathogenicity. (I) 0905 - No published segregation evidence has been identified for this variant. (I) 1007 - No published functional evidence has been identified for this variant. (I) 1208 - Inheritance information for this variant is not currently available in this individual. (I) Legend: (SP) - Supporting pathogenic, (I) - Information, (SB) - Supporting benign

NM_145239.3(PRRT2):c.769G>A (p.Glu257Lys)

Genes: MVP-DT (MVP divergent transcript; minus strand), PRRT2 (proline rich transmembrane protein 2; plus strand). Cytogenetic location: 16p11.2.
Variant type: single nucleotide variant.
Coding change: c.769G>A on transcript NM_145239.3 (MANE Select); coding-DNA position 769, G replaced by A.
Protein change: p.Glu257Lys; replaces glutamic acid 257 with lysine.
Molecular consequence: missense variant.
Genome position (GRCh38, 1-based): chr16:29,813,823, G>A. VCF-style: chr16-29813823-G-A. GRCh37 (hg19) VCF-style: chr16-29825144-G-A.
Other names: c.769G>A, p.Glu257Lys (NM_001256442.2, NM_001256443.2); short protein forms E257K.
Identifiers: ClinVar variation 1699415 (VCV001699415.3), dbSNP rs2142426795, ClinGen allele CA395479619.
Genomic context (GRCh38, chr16:29,813,823, plus strand): 5'-GGATCTCCCCGAGGTAGCCTGAGCCGCCACCCCAGCTCCCAGTTGGCAGGTCCTGGGGTG[G>A]AGGGGGGTGAAGGCACCCAGAAACCTCGGGACTACATCATCCTTGCCATCCTGTCCTGCT-3'
Protein context (NP_660282.2, residues 247-267): PSSQLAGPGV[Glu257Lys]GGEGTQKPRD